The following is an entry in ClinVar:

NM_022772.4(EPS8L2):c.42C>T (p.Thr14=)

Gene: EPS8L2 (EPS8 signaling adaptor L2; plus strand). Cytogenetic location: 11p15.5.
Variant type: single nucleotide variant.
Coding change: c.42C>T on transcript NM_022772.4 (MANE Select); coding-DNA position 42, C replaced by T.
Protein change: p.Thr14=; no amino-acid change (threonine 14 retained).
Molecular consequence: synonymous variant.
Genome position (GRCh38, 1-based): chr11:709,449, C>T. VCF-style: chr11-709449-C-T. GRCh37 (hg19) VCF-style: chr11-709449-C-T.
Other names: c.42C>T, p.Thr14= (NM_001441192.1, NM_001441193.1).
Identifiers: ClinVar variation 5004969 (VCV005004969.2).

ClinVar aggregate classification (germline): Uncertain significance (1 of 4 stars; one submission).

Conditions:
Hearing loss, autosomal recessive 106. Also called: DEAFNESS, AUTOSOMAL RECESSIVE 106. Identifiers: MedGen C4539954, MONDO:0033198, OMIM 617637.

gnomAD v4.1: 4 of 1,598,794 alleles (0.00025%); highest among the groups gnomAD compares: East Asian, 0.0091%; no homozygotes.

Submission:

Juno Genomics, Hangzhou Juno Genomics, Inc
Classification: Uncertain significance for Hearing loss, autosomal recessive 106. Review status: criteria provided, single submitter. Criteria: ACMG Guidelines, 2015. Collection method: clinical testing. Allele origin: germline.
Comment: Absent from controls (or at extremely low frequency if recessive) in Genome Aggregation Database.;Multiple lines of computational evidence support a deleterious effect on the gene or gene product.